The following is an entry in ClinVar:

NC_000023.10:g.(?_85211138)_(85211403_?)del

Gene: CHM (CHM Rab escort protein; minus strand). Cytogenetic location: Xq21.2.
Variant type: Deletion.
Identifiers: ClinVar variation 3245833 (VCV003245833.1).

ClinVar aggregate classification (germline): Pathogenic (1 of 4 stars; one submission).

Submission:

Labcorp Genetics (formerly Invitae), Labcorp
Classification: Pathogenic. Last evaluated: 2022-10-30. Review status: criteria provided, single submitter. Criteria: Invitae Variant Classification Sherloc (09022015). Collection method: clinical testing. Allele origin: unknown.
Comment: For these reasons, this variant has been classified as Pathogenic. This variant has not been reported in the literature in individuals affected with CHM-related conditions. This variant is a gross deletion of the genomic region encompassing exon(s) 8 of the CHM gene. This deletion is out-of-frame, and is expected to create a premature termination codon and result in an absent or disrupted protein product. Loss-of-function variants in CHM are known to be pathogenic (PMID: 9067750, 23811034).

Literature cited by the submitters: PubMed 9067750; PubMed 23811034.